The following is an entry in ClinVar:

NM_001003800.2(BICD2):c.518G>A (p.Arg173Gln)

Gene: BICD2 (BICD cargo adaptor 2; minus strand). Cytogenetic location: 9q22.31.
Variant type: single nucleotide variant.
Coding change: c.518G>A on transcript NM_001003800.2 (MANE Select); coding-DNA position 518, G replaced by A.
Protein change: p.Arg173Gln; replaces arginine 173 with glutamine.
Molecular consequence: missense variant.
Genome position (GRCh38, 1-based): chr9:92,722,744, C>T on the plus strand (G>A on the coding strand, the complement: BICD2 is on the minus strand). VCF-style: chr9-92722744-C-T. GRCh37 (hg19) VCF-style: chr9-95485026-C-T.
Other names: c.518G>A, p.Arg173Gln (NM_015250.4); short protein forms R173Q.
Identifiers: ClinVar variation 1745906 (VCV001745906.2), dbSNP rs774714446, ClinGen allele CA5126787.

ClinVar aggregate classification (germline): Uncertain significance (1 of 4 stars; one submission).

Conditions:
Inborn genetic diseases. Identifiers: MedGen C0950123, MeSH D030342.

Allele frequency attached by ClinVar (database versions not stated): gnomAD exomes 0.00001; ExAC 0.00002.
gnomAD v4.1: 13 of 1,614,230 alleles (0.00081%); highest among the groups gnomAD compares: Admixed American, 0.0017%; no homozygotes.

Submission:

Ambry Genetics
Classification: Uncertain significance for Inborn genetic diseases. Last evaluated: 2021-01-13. Review status: criteria provided, single submitter. Criteria: Ambry Variant Classification Scheme 2023. Collection method: clinical testing. Allele origin: germline.
Comment: The p.R173Q variant (also known as c.518G>A), located in coding exon 3 of the BICD2 gene, results from a G to A substitution at nucleotide position 518. The arginine at codon 173 is replaced by glutamine, an amino acid with highly similar properties. This amino acid position is highly conserved in available vertebrate species. In addition, the in silico prediction for this alteration is inconclusive. Since supporting evidence is limited at this time, the clinical significance of this alteration remains unclear.